The following is an entry in ClinVar:

NC_000017.11:g.(?_48726790)_(48728593_?)dup

Gene: HOXB13 (homeobox B13; minus strand). Cytogenetic location: 17q21.32.
Variant type: Duplication.
Identifiers: ClinVar variation 830833 (VCV000830833.3).

ClinVar aggregate classification (germline): Uncertain significance (1 of 4 stars; one submission).

Submission:

Labcorp Genetics (formerly Invitae), Labcorp
Classification: Uncertain significance. Last evaluated: 2023-12-23. Review status: criteria provided, single submitter. Criteria: Invitae Variant Classification Sherloc (09022015). Collection method: clinical testing. Allele origin: germline.
Comment: A copy number gain of the genomic region encompassing the full coding sequence of the HOXB13 gene has been identified. The boundaries of this event are unknown as they extend beyond the assayed region for this gene and therefore may encompass additional genes. As the precise location of this event is unknown, it may be in tandem or it may be located elsewhere in the genome. This variant has not been reported in the literature in individuals affected with HOXB13-related conditions. In summary, the available evidence is currently insufficient to determine the role of this variant in disease. Therefore, it has been classified as a Variant of Uncertain Significance.